The following is an entry in ClinVar:

ClinVar aggregate classification (germline): Uncertain significance. Review status: criteria provided, multiple submitters, no conflicts (2 of 4 stars). 2 submissions from 2 submitters: Uncertain significance (2). Last evaluated 2025-01-28.

Submissions (2):

GeneDx
Classification: Uncertain significance. Last evaluated: 2025-01-28. Review status: criteria provided, single submitter. Criteria: GeneDx Variant Classification Process June 2021. Collection method: clinical testing. Allele origin: germline. Affected: yes.
Comment: Not observed at significant frequency in large population cohorts (gnomAD); In silico analysis supports that this missense variant has a deleterious effect on protein structure/function; Has not been previously published as pathogenic or benign to our knowledge

Eurofins Ntd Llc (ga)
Classification: Uncertain significance. Last evaluated: 2016-10-10. Review status: criteria provided, single submitter. Criteria: EGL Classification Definitions 2015. Collection method: clinical testing. Allele origin: germline. Observed: 1 variant allele, 1 heterozygote.

NM_001374353.1(GLI2):c.3037A>G (p.Ser1013Gly)

Gene: GLI2 (GLI family zinc finger 2; plus strand). Cytogenetic location: 2q14.2.
Variant type: single nucleotide variant.
Coding change: c.3037A>G on transcript NM_001374353.1 (MANE Select); coding-DNA position 3037, A replaced by G.
Protein change: p.Ser1013Gly; replaces serine 1013 with glycine.
Molecular consequence: missense variant.
Genome position (GRCh38, 1-based): chr2:120,989,002, A>G. VCF-style: chr2-120989002-A-G. GRCh37 (hg19) VCF-style: chr2-121746578-A-G.
Other names: c.3088A>G, p.Ser1030Gly (NM_001371271.1, NM_005270.5); c.2662A>G, p.Ser888Gly (NM_001374354.1); c.3088A>G (NM_005270.4); short protein forms S1030G, S888G, S1013G.
Identifiers: ClinVar variation 497694 (VCV000497694.6), dbSNP rs1553479006, ClinGen allele CA348171090.